The following is an entry in ClinVar:

NM_021975.4(RELA):c.878-3C>T

Gene: RELA (RELA proto-oncogene, NF-kB subunit; minus strand). Cytogenetic location: 11q13.1.
Variant type: single nucleotide variant.
Coding change: c.878-3C>T on transcript NM_021975.4 (MANE Select); 3 bases into the intron before coding-DNA position 878, C replaced by T.
Molecular consequence: intron variant.
Genome position (GRCh38, 1-based): chr11:65,655,938, G>A on the plus strand (C>T on the coding strand, the complement: RELA is on the minus strand). VCF-style: chr11-65655938-G-A. GRCh37 (hg19) VCF-style: chr11-65423409-G-A.
Other names: c.785-3C>T (NM_001404662.1, NM_001404663.1); c.851-3C>T (NM_001404658.1); c.497-3C>T (NM_001404661.1); c.869-3C>T (NM_001145138.2); c.560-3C>T (NM_001404660.1); c.665-3C>T (NM_001404659.1); c.878-3C>T (NM_001243984.2, NM_001243985.2); c.911-3C>T (NM_001404657.1).
Identifiers: ClinVar variation 2881294 (VCV002881294.3), dbSNP rs1856416031, ClinGen allele CA1979343313.
Genomic context (GRCh38, chr11:65,655,938, plus strand): 5'-ATGCTCTTGAAGGTCTCATATGTCCTTTTACGTTTCTCCTCAATCCGGTGACGATCGTCT[G>A]GGAAAGTAAGGGGGAGAAGTGGGACTTGCTCTCCTCAGGTGGGTCCCCGACGCTCTCAAA-3'

ClinVar aggregate classification (germline): Uncertain significance (1 of 4 stars; one submission).

Allele frequency attached by ClinVar (database versions not stated): gnomAD exomes 0.00001.
gnomAD v4.1: 13 of 1,613,802 alleles (0.00081%); highest among the groups gnomAD compares: Non-Finnish European, 0.0011%; no homozygotes.

Submission:

Labcorp Genetics (formerly Invitae), Labcorp
Classification: Uncertain significance. Last evaluated: 2023-12-11. Review status: criteria provided, single submitter. Criteria: Invitae Variant Classification Sherloc (09022015). Collection method: clinical testing. Allele origin: germline.
Comment: This sequence change falls in intron 8 of the RELA gene. It does not directly change the encoded amino acid sequence of the RELA protein. It affects a nucleotide within the consensus splice site. This variant is not present in population databases (gnomAD no frequency). This variant has not been reported in the literature in individuals affected with RELA-related conditions. Variants that disrupt the consensus splice site are a relatively common cause of aberrant splicing (PMID: 17576681, 9536098). Algorithms developed to predict the effect of sequence changes on RNA splicing suggest that this variant is not likely to affect RNA splicing. In summary, the available evidence is currently insufficient to determine the role of this variant in disease. Therefore, it has been classified as a Variant of Uncertain Significance.

Literature cited by the submitters: PubMed 17576681; PubMed 9536098.